The following is an entry in ClinVar:

NM_004646.4(NPHS1):c.2132G>C (p.Arg711Pro)

Gene: NPHS1 (NPHS1 adhesion molecule, nephrin; minus strand). Cytogenetic location: 19q13.12.
Variant type: single nucleotide variant.
Coding change: c.2132G>C on transcript NM_004646.4 (MANE Select); coding-DNA position 2132, G replaced by C.
Protein change: p.Arg711Pro; replaces arginine 711 with proline.
Molecular consequence: missense variant.
Genome position (GRCh38, 1-based): chr19:35,844,183, C>G on the plus strand (G>C on the coding strand, the complement: NPHS1 is on the minus strand). VCF-style: chr19-35844183-C-G. GRCh37 (hg19) VCF-style: chr19-36335085-C-G.
Other names: short protein forms R711P.
Identifiers: ClinVar variation 1523657 (VCV001523657.6), dbSNP rs926025297, ClinGen allele CA405397435.

ClinVar aggregate classification (germline): Likely pathogenic (1 of 4 stars; one submission).

Submission:

Labcorp Genetics (formerly Invitae), Labcorp
Classification: Likely pathogenic. Last evaluated: 2021-10-19. Review status: criteria provided, single submitter. Criteria: Invitae Variant Classification Sherloc (09022015). Collection method: clinical testing. Allele origin: germline.
Comment: This sequence change replaces arginine with proline at codon 711 of the NPHS1 protein (p.Arg711Pro). The arginine residue is highly conserved and there is a moderate physicochemical difference between arginine and proline. This variant is not present in population databases (ExAC no frequency). This variant has not been reported in the literature in individuals affected with NPHS1-related conditions. Advanced modeling of protein sequence and biophysical properties (such as structural, functional, and spatial information, amino acid conservation, physicochemical variation, residue mobility, and thermodynamic stability) performed at Invitae indicates that this missense variant is expected to disrupt NPHS1 protein function. This variant disrupts the p.Arg711 amino acid residue in NPHS1. Other variant(s) that disrupt this residue have been determined to be pathogenic (PMID: 19406966, 23949594, 29474669; Invitae). This suggests that this residue is clinically significant, and that variants that disrupt this residue are likely to be disease-causing. In summary, the currently available evidence indicates that the variant is pathogenic, but additional data are needed to prove that conclusively. Therefore, this variant has been classified as Likely Pathogenic.

Literature cited by the submitters: PubMed 19406966; PubMed 23949594; PubMed 29474669.